The following is an entry in ClinVar:

NM_030916.3(NECTIN4):c.22G>A (p.Glu8Lys)

Genes: NECTIN4 (nectin cell adhesion molecule 4; minus strand), NECTIN4-AS1 (NECTIN4 antisense RNA 1; plus strand). Cytogenetic location: 1q23.3.
Variant type: single nucleotide variant.
Coding change: c.22G>A on transcript NM_030916.3 (MANE Select); coding-DNA position 22, G replaced by A.
Protein change: p.Glu8Lys; replaces glutamic acid 8 with lysine.
Molecular consequence: missense variant.
Genome position (GRCh38, 1-based): chr1:161,089,275, C>T on the plus strand (G>A on the coding strand, the complement: NECTIN4 is on the minus strand). VCF-style: chr1-161089275-C-T. GRCh37 (hg19) VCF-style: chr1-161059065-C-T.
Other names: short protein forms E8K.
Identifiers: ClinVar variation 2147750 (VCV002147750.5), dbSNP rs199976359, ClinGen allele CA1205191.

ClinVar aggregate classification (germline): Uncertain significance. Review status: criteria provided, multiple submitters, no conflicts (2 of 4 stars). 2 submissions from 2 submitters: Uncertain significance (2). Last evaluated 2022-06-03.

Allele frequency attached by ClinVar (database versions not stated): TOPMed 0.00003; gnomAD 0.00007; ExAC 0.00011.
gnomAD v4.1: 104 of 1,610,800 alleles (0.0065%); highest among the groups gnomAD compares: South Asian, 0.075%; 1 homozygote.

Submissions (2):

Labcorp Genetics (formerly Invitae), Labcorp
Classification: Uncertain significance. Last evaluated: 2022-06-03. Review status: criteria provided, single submitter. Criteria: Invitae Variant Classification Sherloc (09022015). Collection method: clinical testing. Allele origin: germline.
Comment: This sequence change replaces glutamic acid, which is acidic and polar, with lysine, which is basic and polar, at codon 8 of the NECTIN4 protein (p.Glu8Lys). This variant is present in population databases (rs199976359, gnomAD 0.05%). This variant has not been reported in the literature in individuals affected with NECTIN4-related conditions. Algorithms developed to predict the effect of missense changes on protein structure and function output the following: SIFT: "Tolerated"; PolyPhen-2: "Benign"; Align-GVGD: "Class C0". The lysine amino acid residue is found in multiple mammalian species, which suggests that this missense change does not adversely affect protein function. In summary, the available evidence is currently insufficient to determine the role of this variant in disease. Therefore, it has been classified as a Variant of Uncertain Significance.

Breakthrough Genomics
Classification: Uncertain significance. Review status: criteria provided, single submitter. Criteria: ACMG Guidelines, 2015. Collection method: not provided. Allele origin: germline. Inheritance: Autosomal recessive inheritance. Affected: yes.